The following is an entry in ClinVar:

ClinVar aggregate classification (germline): Uncertain significance (1 of 4 stars; one submission).

Submission:

GeneDx
Classification: Uncertain significance. Last evaluated: 2025-06-05. Review status: criteria provided, single submitter. Criteria: GeneDx Variant Classification Process June 2021. Collection method: clinical testing. Allele origin: germline. Affected: yes.
Comment: Not observed at significant frequency in large population cohorts (gnomAD); In silico analysis supports that this missense variant has a deleterious effect on protein structure/function; Has not been previously published as pathogenic or benign to our knowledge

NM_001145073.3(USP27X):c.4T>G (p.Cys2Gly)

Gene: USP27X (ubiquitin specific peptidase 27 X-linked; plus strand). Cytogenetic location: Xp11.23.
Variant type: single nucleotide variant.
Coding change: c.4T>G on transcript NM_001145073.3 (MANE Select); coding-DNA position 4, T replaced by G.
Protein change: p.Cys2Gly; replaces cysteine 2 with glycine.
Molecular consequence: missense variant.
Genome position (GRCh38, 1-based): chrX:49,880,311, T>G. VCF-style: chrX-49880311-T-G. GRCh37 (hg19) VCF-style: chrX-49644914-T-G.
Other names: short protein forms C2G.
Identifiers: ClinVar variation 4536173 (VCV004536173.1).